The following is an entry in ClinVar:

ClinVar aggregate classification (germline): Conflicting classifications of pathogenicity. Review status: criteria provided, conflicting classifications (1 of 4 stars). 10 submissions from 10 submitters: Uncertain significance (4); Likely benign (6). Last evaluated 2026-09-01.

Conditions:
TTN-related disorder. Also called: TTN-related disorders; TTN-related condition; TTN-related disease.
Cardiovascular phenotype. Identifiers: MedGen CN230736.
Autosomal recessive limb-girdle muscular dystrophy type 2J (LGMDR10). Also called: MUSCULAR DYSTROPHY, LIMB-GIRDLE, AUTOSOMAL RECESSIVE 10; Limb-girdle muscular dystrophy, type 2J. Identifiers: Orphanet 140922, MedGen C1837342, MONDO:0012127, OMIM 608807.
Dilated cardiomyopathy 1G (CMD1G). Identifiers: Orphanet 154, MedGen C1858763, MONDO:0011400, OMIM 604145.

Allele frequency attached by ClinVar (database versions not stated): gnomAD exomes 0.00004 and 0.00009; ESP Exome Variant Server 0.00025; TOPMed 0.00037; 1000 Genomes Project 30x 0.00047; ExAC 0.00012; 1000 Genomes Project 0.00040; gnomAD 0.00041 and 0.00040.
gnomAD v4.1: 127 of 1,613,362 alleles (0.0079%); highest among the groups gnomAD compares: African/African-American, 0.15%; no homozygotes.

Submissions (10):

CeGaT Center for Human Genetics Tuebingen
Classification: Uncertain significance. Last evaluated: 2026-09-01. Review status: criteria provided, single submitter. Criteria: CeGaT Center For Human Genetics Tuebingen Variant Classification Criteria Version 2. Collection method: clinical testing. Allele origin: germline. Affected: yes. Observed: 1 variant allele.
Comment: TTN: PM2, BP4

PreventionGenetics, part of Exact Sciences
Classification: Uncertain significance for TTN-related condition. Last evaluated: 2026-04-21. Review status: criteria provided, single submitter. Criteria: ACMG Guidelines, 2015. Collection method: clinical testing. Allele origin: germline.
Comment: The TTN c.72181A>G variant is predicted to result in the amino acid substitution p.Met24061Val. This variant has been reported in a patient presenting with hypertrophic cardiomyopathy and classified as uncertain. Of note, another uncertain missense variant in TTN was also identified in the patient (c.93367G>C, Patient NCG_00678, Table S2, Haskell et al. 2017. PubMed ID: 28611029). This variant is reported in 0.12% of alleles in individuals of African descent in gnomAD. Although we suspect that this variant may be benign, at this time, the clinical significance of this variant is uncertain due to the absence of conclusive functional and genetic evidence.

Labcorp Genetics (formerly Invitae), Labcorp
Classification: Likely benign for Dilated cardiomyopathy 1G; Autosomal recessive limb-girdle muscular dystrophy type 2J. Last evaluated: 2026-01-27. Review status: criteria provided, single submitter. Criteria: Invitae Variant Classification Sherloc (09022015). Collection method: clinical testing. Allele origin: germline.

Revvity Omics, Revvity
Classification: Likely benign. Last evaluated: 2025-05-08. Review status: criteria provided, single submitter. Criteria: ACMG Guidelines, 2015. Collection method: clinical testing. Allele origin: germline.

Women's Health and Genetics/Laboratory Corporation of America, LabCorp
Classification: Likely benign. Last evaluated: 2024-02-27. Review status: criteria provided, single submitter. Criteria: LabCorp Variant Classification Summary - May 2015. Collection method: clinical testing. Allele origin: germline.
Comment: Variant summary: TTN c.64477A>G (p.Met21493Val) results in a conservative amino acid change located in the A-band region of the encoded protein sequence. Three of five in-silico tools predict a benign effect of the variant on protein function. The variant allele was found at a frequency of 9.3e-05 in 248174 control chromosomes, predominantly at a frequency of 0.0015 within the African or African-American subpopulation in the gnomAD database. The observed variant frequency within African or African-American control individuals in the gnomAD database is approximately 2.4 fold of the estimated maximal expected allele frequency for a pathogenic variant in TTN causing Cardiomyopathy phenotype (0.00063), strongly suggesting that the variant is a benign polymorphism found primarily in populations of African or African-American origin. This report does not provide unequivocal conclusions about association of the variant with Cardiomyopathy. To our knowledge, no experimental evidence demonstrating an impact on protein function has been reported. The following publication has been ascertained in the context of this evaluation (PMID: 28611029). ClinVar contains an entry for this variant (Variation ID: 47311). Based on the evidence outlined above, the variant was classified as likely benign.

Blueprint Genetics
Classification: Likely benign. Last evaluated: 2023-06-20. Review status: criteria provided, single submitter. Criteria: ACMG Guidelines, 2015. Collection method: clinical testing. Allele origin: germline.

GeneDx
Classification: Likely benign. Last evaluated: 2021-03-02. Review status: criteria provided, single submitter. Criteria: GeneDx Variant Classification Process June 2021. Collection method: clinical testing. Allele origin: germline. Affected: yes.
Comment: Has not been previously published as pathogenic or benign to our knowledge

Ambry Genetics
Classification: Likely benign for Cardiovascular phenotype. Last evaluated: 2020-02-26. Review status: criteria provided, single submitter. Criteria: Ambry Variant Classification Scheme 2023. Collection method: clinical testing. Allele origin: germline.

Eurofins Ntd Llc (ga)
Classification: Uncertain significance. Last evaluated: 2017-09-14. Review status: criteria provided, single submitter. Criteria: EGL Classification Definitions 2015. Collection method: clinical testing. Allele origin: germline. Observed: 3 variant alleles, 3 heterozygotes.

Laboratory for Molecular Medicine, Mass General Brigham Personalized Medicine
Classification: Uncertain significance. Last evaluated: 2012-12-06. Review status: criteria provided, single submitter. Criteria: LMM Criteria. Collection method: clinical testing. Allele origin: germline. Observed: 1 variant allele.
Comment: The Met21493Val variant in TTN has not been reported in the literature nor previ ously identified by our laboratory. This variant has been identified in 3/3720 A frican American chromosomes from a broad population by the NHLBI Exome Sequencin g Project (dbSNP rs201482015). Computational analyses (biochemical amino acid properties, conservation, AlignGVGD, PolyPhen2, and SIFT) do not provide strong support for or against an impact to the protein . In summary, additional information is needed to fully assess its clinical sign ificance.

Literature cited by the submitters: PubMed 28611029 (cited by Women's Health and Genetics/Laboratory Corporation of America, LabCorp); PubMed 23861362 (cited by Ambry Genetics).

NM_001267550.2(TTN):c.72181A>G (p.Met24061Val)

Genes: TTN (titin; minus strand), TTN-AS1 (TTN antisense RNA 1; plus strand). Cytogenetic location: 2q31.2.
Variant type: single nucleotide variant.
Coding change: c.72181A>G on transcript NM_001267550.2 (MANE Select); coding-DNA position 72181, A replaced by G.
Protein change: p.Met24061Val; replaces methionine 24061 with valine.
Molecular consequence: missense variant.
Genome position (GRCh38, 1-based): chr2:178,573,951, T>C on the plus strand (A>G on the coding strand, the complement: TTN is on the minus strand). VCF-style: chr2-178573951-T-C. GRCh37 (hg19) VCF-style: chr2-179438678-T-C.
Other names: c.67258A>G, p.Met22420Val (NM_001256850.1); c.64477A>G, p.Met21493Val (NM_133378.4); c.44986A>G, p.Met14996Val (NM_003319.4); c.45361A>G, p.Met15121Val (NM_133432.3); c.45562A>G, p.Met15188Val (NM_133437.4); short protein forms M24061V, M21493V, M15121V, M22420V, M14996V, M15188V.
Identifiers: ClinVar variation 47311 (VCV000047311.31), dbSNP rs201482015, ClinGen allele CA140640.